The following is an entry in ClinVar:

NM_016492.5(RANGRF):c.50T>A (p.Ile17Asn)

Genes: RANGRF (RAN guanine nucleotide release factor; plus strand), SLC25A35 (solute carrier family 25 member 35; minus strand). Cytogenetic location: 17p13.1.
Variant type: single nucleotide variant.
Coding change: c.50T>A on transcript NM_016492.5 (MANE Select); coding-DNA position 50, T replaced by A.
Protein change: p.Ile17Asn; replaces isoleucine 17 with asparagine.
Molecular consequence: missense variant. On other transcripts: 3 prime UTR variant (1), non-coding transcript variant (1), intron variant (1).
Genome position (GRCh38, 1-based): chr17:8,288,838, T>A. VCF-style: chr17-8288838-T-A. GRCh37 (hg19) VCF-style: chr17-8192156-T-A.
Other names: c.50T>A, p.Ile17Asn (NM_001177801.2, NM_001177802.2, NM_001330127.2); c.*778A>T (NM_201520.3); c.*43-406A>T (NM_001320871.2); short protein forms I17N.
Identifiers: ClinVar variation 666402 (VCV000666402.10), dbSNP rs764464019, ClinGen allele CA8374287.

ClinVar aggregate classification (germline): Uncertain significance (1 of 4 stars; one submission).

Conditions:
Cardiac arrhythmia. Also called: Arrhythmia; Cardiac rhythm disease. Identifiers: MedGen C0003811, MONDO:0007263, HP:0011675.

Allele frequency attached by ClinVar (database versions not stated): gnomAD 0.00003; gnomAD exomes 0.00009; ExAC 0.00006; TOPMed 0.00004.
gnomAD v4.1: 60 of 1,613,918 alleles (0.0037%); highest among the groups gnomAD compares: Admixed American, 0.025%; no homozygotes.

Submission:

Labcorp Genetics (formerly Invitae), Labcorp
Classification: Uncertain significance for Cardiac arrhythmia. Last evaluated: 2025-10-19. Review status: criteria provided, single submitter. Criteria: Invitae Variant Classification Sherloc (09022015). Collection method: clinical testing. Allele origin: germline.
Comment: This sequence change replaces isoleucine, which is neutral and non-polar, with asparagine, which is neutral and polar, at codon 17 of the RANGRF protein (p.Ile17Asn). This variant is present in population databases (rs764464019, gnomAD 0.04%). This variant has not been reported in the literature in individuals affected with RANGRF-related conditions. ClinVar contains an entry for this variant (Variation ID: 666402). An algorithm developed to predict the effect of missense changes on protein structure and function (PolyPhen-2) suggests that this variant is likely to be tolerated. In summary, the available evidence is currently insufficient to determine the role of this variant in disease. Therefore, it has been classified as a Variant of Uncertain Significance.